The following is an entry in ClinVar:

ClinVar aggregate classification (germline): Likely pathogenic (1 of 4 stars; one submission).

Conditions:
Methylmalonic aciduria, cblA type (MACA). Also called: Methylmalonic aciduria, vitamin B12-responsive; Methylmalonic aciduria, vitamin b12-responsive, due to defect in synthesis of adenosylcobalamin, cbla complementation type; MMA cbl A type; Methylmalonic acidemia cblA type; Vitamin B12-responsive methylmalonic acidemia type cblA. Identifiers: Orphanet 28, Orphanet 79310, MedGen C1855109, MONDO:0009613, OMIM 251100.

Submission:

Myriad Genetics, Inc.
Classification: Likely pathogenic for Methylmalonic aciduria, cblA type. Last evaluated: 2022-01-02. Review status: criteria provided, single submitter. Criteria: Myriad Women's Health Autosomal Recessive and X-Linked Classification Criteria (2021). Collection method: clinical testing. Allele origin: unknown.
Comment: NM_172250.2(MMAA):c.490G>T(G164*) is expected to be pathogenic in the context of methylmalonic acidemia, cblA type. This variant is predicted to lead to an abnormal or absent protein product due to the creation of a premature termination codon in MMAA, a gene where loss-of-function variants are known to be pathogenic. Please note: this variant was assessed in the context of healthy population screening.

NM_172250.3(MMAA):c.490G>T (p.Gly164Ter)

Gene: MMAA (metabolism of cobalamin associated A; plus strand). Cytogenetic location: 4q31.21.
Variant type: single nucleotide variant.
Coding change: c.490G>T on transcript NM_172250.3 (MANE Select); coding-DNA position 490, G replaced by T.
Protein change: p.Gly164Ter; replaces glycine 164 with a stop codon.
Molecular consequence: nonsense.
Genome position (GRCh38, 1-based): chr4:145,642,413, G>T. VCF-style: chr4-145642413-G-T. GRCh37 (hg19) VCF-style: chr4-146563565-G-T.
Other names: c.490G>T, p.Gly164Ter (NM_001375644.1); short protein forms G164*.
Identifiers: ClinVar variation 1726942 (VCV001726942.2), dbSNP rs2546337476, ClinGen allele CA358354885.